The following is an entry in ClinVar:

NM_016343.4(CENPF):c.8385G>A (p.Met2795Ile)

Gene: CENPF (centromere protein F; plus strand). Cytogenetic location: 1q41.
Variant type: single nucleotide variant.
Coding change: c.8385G>A on transcript NM_016343.4 (MANE Select); coding-DNA position 8385, G replaced by A.
Protein change: p.Met2795Ile; replaces methionine 2795 with isoleucine.
Molecular consequence: missense variant.
Genome position (GRCh38, 1-based): chr1:214,655,303, G>A. VCF-style: chr1-214655303-G-A. GRCh37 (hg19) VCF-style: chr1-214828646-G-A.
Other names: short protein forms M2795I.
Identifiers: ClinVar variation 1029446 (VCV001029446.1), dbSNP rs753288669, ClinGen allele CA1391418.

ClinVar aggregate classification (germline): Uncertain significance (1 of 4 stars; one submission).

Conditions:
Stromme syndrome (STROMS). Also called: APPLE PEEL SYNDROME WITH MICROCEPHALY AND OCULAR ANOMALIES; Strømme Syndrome; Ciliary dyskinesia, primary, 31. Identifiers: Orphanet 444069, Orphanet 506307, MedGen C1855705, MONDO:0009477, OMIM 243605.

Allele frequency attached by ClinVar (database versions not stated): gnomAD exomes below 0.00001; ExAC 0.00001.
gnomAD v4.1: 2 of 1,609,698 alleles (0.00012%); highest among the groups gnomAD compares: Middle Eastern, 0.017%; no homozygotes.

Submission:

Baylor Genetics
Classification: Uncertain significance for Stromme syndrome. Last evaluated: 2019-09-27. Review status: criteria provided, single submitter. Criteria: ACMG Guidelines, 2015. Collection method: clinical testing. Allele origin: unknown. Affected: yes.
Comment: This variant was determined to be of uncertain significance according to ACMG Guidelines, 2015 [PMID:25741868].